The following is an entry in ClinVar:

ClinVar aggregate classification (germline): Uncertain significance (1 of 4 stars; one submission).

Conditions:
Muscular dystrophy-dystroglycanopathy (congenital with brain and eye anomalies), type A2. Also called: MUSCULAR DYSTROPHY-DYSTROGLYCANOPATHY (CONGENITAL WITH BRAIN AND EYE ANOMALIES), TYPE A, 2; WALKER-WARBURG SYNDROME OR MUSCLE-EYE-BRAIN DISEASE, POMT2-RELATED. Identifiers: Orphanet 588, Orphanet 899, MedGen C3150411, MONDO:0013154, OMIM 613150.
Autosomal recessive limb-girdle muscular dystrophy type 2N. Also called: MUSCULAR DYSTROPHY-DYSTROGLYCANOPATHY, LIMB-GIRDLE, POMT2-RELATED; Muscular dystrophy-dystroglycanopathy (limb-girdle), type C, 2. Identifiers: Orphanet 206559, MedGen C3150418, MONDO:0013162, OMIM 613158.
Muscular dystrophy-dystroglycanopathy (congenital with impaired intellectual development), type B, 2. Also called: MUSCULAR DYSTROPHY, CONGENITAL, POMT2-RELATED; Muscular dystrophy-dystroglycanopathy (congenital with intellectual disability), type B2. Identifiers: MedGen C3150416, MONDO:0013160, OMIM 613156.

Submission:

Labcorp Genetics (formerly Invitae), Labcorp
Classification: Uncertain significance for Muscular dystrophy-dystroglycanopathy (congenital with impaired intellectual development), type B, 2; Muscular dystrophy-dystroglycanopathy (congenital with brain and eye anomalies), type A2; Autosomal recessive limb-girdle muscular dystrophy type 2N. Last evaluated: 2021-08-31. Review status: criteria provided, single submitter. Criteria: Invitae Variant Classification Sherloc (09022015). Collection method: clinical testing. Allele origin: germline.
Comment: This variant is not present in population databases (ExAC no frequency). This variant has not been reported in the literature in individuals affected with POMT2-related conditions. Variants that disrupt the consensus splice site are a relatively common cause of aberrant splicing (PMID: 17576681, 9536098). Algorithms developed to predict the effect of sequence changes on RNA splicing suggest that this variant may disrupt the consensus splice site. In summary, the available evidence is currently insufficient to determine the role of this variant in disease. Therefore, it has been classified as a Variant of Uncertain Significance. This sequence change falls in intron 14 of the POMT2 gene. It does not directly change the encoded amino acid sequence of the POMT2 protein. It affects a nucleotide within the consensus splice site of the intron.

Literature cited by the submitters: PubMed 17576681; PubMed 9536098.

NM_013382.7(POMT2):c.1576+5G>A

Gene: POMT2 (protein O-mannosyltransferase 2; minus strand). Cytogenetic location: 14q24.3.
Variant type: single nucleotide variant.
Coding change: c.1576+5G>A on transcript NM_013382.7 (MANE Select); 5 bases into the intron after coding-DNA position 1576, G replaced by A.
Molecular consequence: intron variant.
Genome position (GRCh38, 1-based): chr14:77,284,945, C>T on the plus strand (G>A on the coding strand, the complement: POMT2 is on the minus strand). VCF-style: chr14-77284945-C-T. GRCh37 (hg19) VCF-style: chr14-77751288-C-T.
Identifiers: ClinVar variation 1422466 (VCV001422466.6), dbSNP rs2140182723, ClinGen allele CA2573150241.